The following is an entry in ClinVar:

NM_000550.3(TYRP1):c.631G>C (p.Val211Leu)

Gene: TYRP1 (tyrosinase related protein 1; plus strand). Cytogenetic location: 9p23.
Variant type: single nucleotide variant.
Coding change: c.631G>C on transcript NM_000550.3 (MANE Select); coding-DNA position 631, G replaced by C.
Protein change: p.Val211Leu; replaces valine 211 with leucine.
Molecular consequence: missense variant.
Genome position (GRCh38, 1-based): chr9:12,695,760, G>C. VCF-style: chr9-12695760-G-C. GRCh37 (hg19) VCF-style: chr9-12695760-G-C.
Other names: c.631G>C (NM_000550.2); short protein forms V211L.
Identifiers: ClinVar variation 2145102 (VCV002145102.4), dbSNP rs369939207, ClinGen allele CA4985274.

ClinVar aggregate classification (germline): Uncertain significance. Review status: criteria provided, multiple submitters, no conflicts (2 of 4 stars). 2 submissions from 2 submitters: Uncertain significance (2). Last evaluated 2025-12-17.

Conditions:
Inborn genetic diseases. Identifiers: MedGen C0950123, MeSH D030342.

Allele frequency attached by ClinVar (database versions not stated): ExAC 0.00001; gnomAD exomes 0.00002; gnomAD 0.00004; TOPMed 0.00004; ESP Exome Variant Server 0.00015.
gnomAD v4.1: 39 of 1,614,028 alleles (0.0024%); highest among the groups gnomAD compares: Non-Finnish European, 0.0031%; no homozygotes.

Submissions (2):

Labcorp Genetics (formerly Invitae), Labcorp
Classification: Uncertain significance. Last evaluated: 2025-12-17. Review status: criteria provided, single submitter. Criteria: Invitae Variant Classification Sherloc (09022015). Collection method: clinical testing. Allele origin: germline.
Comment: This sequence change replaces valine, which is neutral and non-polar, with leucine, which is neutral and non-polar, at codon 211 of the TYRP1 protein (p.Val211Leu). This variant is present in population databases (rs369939207, gnomAD 0.007%). This variant has not been reported in the literature in individuals affected with TYRP1-related conditions. ClinVar contains an entry for this variant (Variation ID: 2145102). Invitae Evidence Modeling of protein sequence and biophysical properties (such as structural, functional, and spatial information, amino acid conservation, physicochemical variation, residue mobility, and thermodynamic stability) indicates that this missense variant is not expected to disrupt TYRP1 protein function with a negative predictive value of 80%. In summary, the available evidence is currently insufficient to determine the role of this variant in disease. Therefore, it has been classified as a Variant of Uncertain Significance.

Ambry Genetics
Classification: Uncertain significance for Inborn genetic diseases. Last evaluated: 2025-02-07. Review status: criteria provided, single submitter. Criteria: Ambry Variant Classification Scheme 2023. Collection method: clinical testing. Allele origin: germline.